The following is an entry in ClinVar:

ClinVar aggregate classification (germline): Uncertain significance (1 of 4 stars; one submission).

Conditions:
Early-onset Parkinson disease 20. Also called: PARKINSON DISEASE 20, AUTOSOMAL RECESSIVE EARLY-ONSET. Identifiers: Orphanet 391411, MedGen C3809824, MONDO:0014233, OMIM 615530.
Developmental and epileptic encephalopathy, 53. Also called: Epileptic encephalopathy, early infantile, 53. Identifiers: MedGen C4479313, MONDO:0033362, OMIM 617389.

Allele frequency attached by ClinVar (database versions not stated): TOPMed below 0.00001; gnomAD 0.00001; gnomAD exomes 0.00002; ExAC 0.00009.
gnomAD v4.1: 17 of 1,535,428 alleles (0.0011%); highest among the groups gnomAD compares: South Asian, 0.012%; no homozygotes.

Submission:

Labcorp Genetics (formerly Invitae), Labcorp
Classification: Uncertain significance for Developmental and epileptic encephalopathy, 53; Early-onset Parkinson disease 20. Last evaluated: 2021-08-31. Review status: criteria provided, single submitter. Criteria: Invitae Variant Classification Sherloc (09022015). Collection method: clinical testing. Allele origin: germline.
Comment: This sequence change replaces glycine with serine at codon 19 of the SYNJ1 protein (p.Gly19Ser). The glycine residue is weakly conserved and there is a small physicochemical difference between glycine and serine. While this variant is present in population databases (rs779276328), the frequency information is unreliable, as metrics indicate poor data quality at this position in the ExAC database. This variant has not been reported in the literature in individuals affected with SYNJ1-related conditions. Algorithms developed to predict the effect of missense changes on protein structure and function output the following: SIFT: "Deleterious"; PolyPhen-2: "Benign"; Align-GVGD: "Class C0". The serine amino acid residue is found in multiple mammalian species, which suggests that this missense change does not adversely affect protein function. Algorithms developed to predict the effect of sequence changes on RNA splicing suggest that this variant may create or strengthen a splice site. In summary, the available evidence is currently insufficient to determine the role of this variant in disease. Therefore, it has been classified as a Variant of Uncertain Significance.

NM_203446.3(SYNJ1):c.-63G>A

Gene: SYNJ1 (synaptojanin 1; minus strand). Cytogenetic location: 21q22.11.
Variant type: single nucleotide variant.
Coding change: c.-63G>A on transcript NM_203446.3 (MANE Select); 63 bases upstream of the start codon, G replaced by A.
Molecular consequence: 5 prime UTR variant. On other transcripts: missense variant (1).
Genome position (GRCh38, 1-based): chr21:32,727,986, C>T on the plus strand (G>A on the coding strand, the complement: SYNJ1 is on the minus strand). VCF-style: chr21-32727986-C-T. GRCh37 (hg19) VCF-style: chr21-34100297-C-T.
Other names: c.55G>A, p.Gly19Ser (NM_003895.4); short protein forms G19S.
Identifiers: ClinVar variation 954119 (VCV000954119.7), dbSNP rs779276328, ClinGen allele CA10004256.